The following is an entry in ClinVar:

ClinVar aggregate classification (germline): Benign/Likely benign. Review status: criteria provided, multiple submitters, no conflicts (2 of 4 stars). 9 submissions from 9 submitters: Benign (4); Likely benign (4). 1 of the submissions does not count toward it. Last evaluated 2026-01-31.

Conditions:
ALG13-related disorder. Also called: ALG13-related condition.
Developmental and epileptic encephalopathy, 36 (DEE36). Also called: Epileptic encephalopathy, early infantile, 36; Congenital disorder of glycosylation, type Is; ALG13-CDG. Identifiers: Orphanet 324422, MedGen C4317295, MONDO:0010472, OMIM 300884.

Allele frequency attached by ClinVar (database versions not stated): gnomAD exomes 0.00296; gnomAD 0.00508.
gnomAD v4.1: 1,312 of 261,538 alleles (0.5%); highest among the groups gnomAD compares: East Asian, 3.4%; no homozygotes.

Submissions (9):

Labcorp Genetics (formerly Invitae), Labcorp
Classification: Likely benign for Developmental and epileptic encephalopathy, 36. Last evaluated: 2026-01-31. Review status: criteria provided, single submitter. Criteria: Invitae Variant Classification Sherloc (09022015). Collection method: clinical testing. Allele origin: germline.

Blueprint Genetics
Classification: Likely benign. Last evaluated: 2024-11-26. Review status: criteria provided, single submitter. Criteria: ACMG Guidelines, 2015. Collection method: clinical testing. Allele origin: germline.

Genome-Nilou Lab
Classification: Benign for Developmental and epileptic encephalopathy, 36. Last evaluated: 2021-12-05. Review status: criteria provided, single submitter. Criteria: ACMG Guidelines, 2015. Collection method: clinical testing. Allele origin: germline. Affected: no.

Fulgent Genetics
Classification: Likely benign for Developmental and epileptic encephalopathy, 36. Last evaluated: 2021-12-01. Review status: criteria provided, single submitter. Criteria: ACMG Guidelines, 2015. Collection method: clinical testing. Allele origin: unknown.

Genetic Services Laboratory, University of Chicago
Classification: Benign. Last evaluated: 2020-06-23. Review status: criteria provided, single submitter. Criteria: ACMG Guidelines, 2015. Collection method: clinical testing. Allele origin: germline. Affected: no.

GeneDx
Classification: Benign. Last evaluated: 2020-03-16. Review status: criteria provided, single submitter. Criteria: GeneDx Variant Classification Process June 2021. Collection method: clinical testing. Allele origin: germline. Affected: yes.

Mayo Clinic Laboratories, Mayo Clinic
Classification: Benign. Last evaluated: 2019-02-28. Review status: criteria provided, single submitter. Criteria: ACMG Guidelines, 2015. Collection method: clinical testing. Allele origin: germline. Observed: 30 variant alleles.

Breakthrough Genomics
Classification: Likely benign. Review status: criteria provided, single submitter. Criteria: ACMG Guidelines, 2015. Collection method: not provided. Allele origin: germline. Inheritance: X-linked inheritance. Affected: yes.

PreventionGenetics, part of Exact Sciences
Classification: Likely benign for ALG13-related condition. Last evaluated: 2019-08-07. Review status: no assertion criteria provided. Collection method: clinical testing. Allele origin: germline. Not counted in ClinVar's aggregate classification.
Comment: This variant is classified as likely benign based on ACMG/AMP sequence variant interpretation guidelines (Richards et al. 2015 PMID: 25741868, with internal and published modifications).

NM_001099922.3(ALG13):c.2799T>A (p.Pro933=)

Gene: ALG13 (ALG13 UDP-N-acetylglucosaminyltransferase subunit; plus strand). Cytogenetic location: Xq23.
Variant type: single nucleotide variant.
Coding change: c.2799T>A on transcript NM_001099922.3 (MANE Select); coding-DNA position 2799, T replaced by A.
Protein change: p.Pro933=; no amino-acid change (proline 933 retained).
Molecular consequence: synonymous variant. On other transcripts: intron variant (5).
Genome position (GRCh38, 1-based): chrX:111,744,771, T>A. VCF-style: chrX-111744771-T-A. GRCh37 (hg19) VCF-style: chrX-110987999-T-A.
Other names: p.Pro933=; c.2565T>A, p.Pro855= (NM_001257231.2); c.2383+7892T>A (NM_001257237.2, NM_001257234.2, NM_001257230.2); c.2209+7892T>A (NM_001324293.1); c.2695+7892T>A (NM_001324292.2).
Identifiers: ClinVar variation 412611 (VCV000412611.24), dbSNP rs13440710, ClinGen allele CA16616412.